The following is an entry in ClinVar:

NM_001384140.1(PCDH15):c.2842G>T (p.Val948Phe)

Gene: PCDH15 (protocadherin related 15; minus strand). Cytogenetic location: 10q21.1.
Variant type: single nucleotide variant.
Coding change: c.2842G>T on transcript NM_001384140.1 (MANE Select); coding-DNA position 2842, G replaced by T.
Protein change: p.Val948Phe; replaces valine 948 with phenylalanine.
Molecular consequence: missense variant.
Genome position (GRCh38, 1-based): chr10:53,995,675, C>A on the plus strand (G>T on the coding strand, the complement: PCDH15 is on the minus strand). VCF-style: chr10-53995675-C-A. GRCh37 (hg19) VCF-style: chr10-55755435-C-A.
Other names: c.2857G>T, p.Val953Phe (NM_001142763.2, NM_001142771.2); c.2842G>T, p.Val948Phe (NM_001142764.2, NM_001142766.2, NM_001142770.3 and 5 more transcripts); c.2629G>T, p.Val877Phe (NM_001142765.2); c.2731G>T, p.Val911Phe (NM_001142767.2); c.2776G>T, p.Val926Phe (NM_001142768.2, NM_001142773.2, NM_001354404.2); c.2878G>T, p.Val960Phe (NM_001142769.4); c.2863G>T, p.Val955Phe (NM_001354411.2); short protein forms V877F, V911F, V926F, V948F, V953F, V955F, V960F.
Identifiers: ClinVar variation 4071581 (VCV004071581.1).
Genomic context (GRCh38, chr10:53,995,675, plus strand): 5'-CAGTTCAGAATATTAATCAATGCCTTCTACTTACAGGAGGGTCTGCATCTTCAGCATAAA[C>A]TGTTGTGATAGGTGTACCCTTGACTGCATCCGGAGCCACCATCCCTTTGTATATTCGTTT-3'
Protein context (NP_001371069.1, residues 938-958): DAVKGTPITT[Val948Phe]YAEDADPPGL

ClinVar aggregate classification (germline): Uncertain significance (1 of 4 stars; one submission).

gnomAD v4.1: 101 of 1,613,830 alleles (0.0063%); highest among the groups gnomAD compares: Non-Finnish European, 0.0086%; no homozygotes.

Submission:

GeneDx
Classification: Uncertain significance. Last evaluated: 2025-01-23. Review status: criteria provided, single submitter. Criteria: GeneDx Variant Classification Process June 2021. Collection method: clinical testing. Allele origin: germline. Affected: yes.
Comment: Not observed at significant frequency in large population cohorts (gnomAD); In silico analysis supports that this missense variant has a deleterious effect on protein structure/function; Has not been previously published as pathogenic or benign to our knowledge